The following is an entry in ClinVar:

ClinVar aggregate classification (germline): Uncertain significance (1 of 4 stars; one submission).

Conditions:
SYNCRIP-related disorder. Also called: SYNCRIP-related condition.

gnomAD v4.1: 1 of 1,613,860 alleles (0.000062%); highest among the groups gnomAD compares: Non-Finnish European, 0.000085%; no homozygotes.

Submission:

PreventionGenetics, part of Exact Sciences
Classification: Uncertain significance for SYNCRIP-related condition. Last evaluated: 2023-01-11. Review status: criteria provided, single submitter. Criteria: ACMG Guidelines, 2015. Collection method: clinical testing. Allele origin: germline.
Comment: The SYNCRIP c.1682T>G variant is predicted to result in the amino acid substitution p.Val561Gly. To our knowledge, this variant has not been reported in the literature or in a large population database, indicating this variant is rare. At this time, the clinical significance of this variant is uncertain due to the absence of conclusive functional and genetic evidence.

NM_006372.5(SYNCRIP):c.1682T>G (p.Val561Gly)

Gene: SYNCRIP (synaptotagmin binding cytoplasmic RNA interacting protein; minus strand). Cytogenetic location: 6q14.3.
Variant type: single nucleotide variant.
Coding change: c.1682T>G on transcript NM_006372.5 (MANE Select); coding-DNA position 1682, T replaced by G.
Protein change: p.Val561Gly; replaces valine 561 with glycine.
Molecular consequence: missense variant. On other transcripts: intron variant (6).
Genome position (GRCh38, 1-based): chr6:85,614,946, A>C on the plus strand (T>G on the coding strand, the complement: SYNCRIP is on the minus strand). VCF-style: chr6-85614946-A-C. GRCh37 (hg19) VCF-style: chr6-86324664-A-C.
Other names: c.1577T>G, p.Val526Gly (NM_001159675.2); c.1388T>G, p.Val463Gly (NM_001410938.1, NM_001439159.1); c.1682T>G, p.Val561Gly (NM_001439158.1, NM_001439161.1, NM_001439162.1); c.1647+35T>G (NM_001439160.1, NM_001159676.2, NM_001159677.2); c.1191+35T>G (NM_001253771.2); c.1353+35T>G (NM_001159673.2); c.1542+35T>G (NM_001159674.2); short protein forms V463G, V526G, V561G.
Identifiers: ClinVar variation 2635401 (VCV002635401.1), dbSNP rs2537718294, ClinGen allele CA364899168.